The following is an entry in ClinVar:

NM_000133.4(F9):c.1168A>T (p.Ile390Phe)

Gene: F9 (coagulation factor IX; plus strand). Cytogenetic location: Xq27.1.
Variant type: single nucleotide variant.
Coding change: c.1168A>T on transcript NM_000133.4 (MANE Select); coding-DNA position 1168, A replaced by T.
Protein change: p.Ile390Phe; replaces isoleucine 390 with phenylalanine.
Molecular consequence: missense variant.
Genome position (GRCh38, 1-based): chrX:139,561,853, A>T. VCF-style: chrX-139561853-A-T. GRCh37 (hg19) VCF-style: chrX-138644012-A-T.
Other names: c.1054A>T, p.Ile352Phe (NM_001313913.2); short protein forms I352F, I390F.
Identifiers: ClinVar variation 2632738 (VCV002632738.1), dbSNP rs1287011273, ClinGen allele CA414446294.

ClinVar aggregate classification (germline): Likely pathogenic (1 of 4 stars; one submission).

Conditions:
F9-related disorder. Also called: F9-related condition.

Submission:

PreventionGenetics, part of Exact Sciences
Classification: Likely pathogenic for F9-related condition. Last evaluated: 2023-06-05. Review status: criteria provided, single submitter. Criteria: ACMG Guidelines, 2015. Collection method: clinical testing. Allele origin: germline.
Comment: The F9 c.1168A>T variant is predicted to result in the amino acid substitution p.Ile390Phe. This variant also described using legacy nomenclature as p.Ile344Phe, has been reported in multiple individuals with Hemophilia B (Wulff et al. 1995. PubMed ID: 8680410; Giannelli et al. 1994. PubMed ID: 7937052; Hamasaki-Katagiri et al. 2012. PubMed ID: 22639855; Li et al. 2014. PubMed ID: 24375831. Table S1; F9 database). Different missense variants in the same codon (p.Ile390Asn; p.Ile390Thr; p.Ile390Ser) have been reported in individuals with Hemophilia B (Li et al. 2000. PubMed ID: 11013449; Belvini et al. 2005. PubMed ID: 15921378; Li et al. 2014. PubMed ID: 24375831; F9 database) suggesting that substitution of amino acid residue p.Ile390 is not tolerated. This variant has not been reported in a large population database, indicating this variant is rare. This variant is interpreted as likely pathogenic.